The following is an entry in ClinVar:

ClinVar aggregate classification (germline): Pathogenic. Review status: criteria provided, multiple submitters, no conflicts (2 of 4 stars). 2 submissions from 2 submitters: Pathogenic (2). Last evaluated 2025-03-18.

Conditions:
Hereditary nonpolyposis colorectal neoplasms. Identifiers: MedGen C0009405, MeSH D003123.
Hereditary cancer-predisposing syndrome. Also called: Hereditary neoplastic syndrome; Tumor predisposition; Neoplastic Syndromes, Hereditary; Hereditary Cancer Syndrome. Identifiers: Orphanet 140162, MedGen C0027672, MeSH D009386, MONDO:0015356.

Submissions (2):

Ambry Genetics
Classification: Pathogenic for Hereditary cancer-predisposing syndrome. Last evaluated: 2025-03-18. Review status: criteria provided, single submitter. Criteria: Ambry Variant Classification Scheme 2023. Collection method: clinical testing. Allele origin: germline.
Comment: The c.906_907delAA pathogenic mutation, located in coding exon 4 of the MSH6 gene, results from a deletion of two nucleotides at nucleotide positions 906 to 907, causing a translational frameshift with a predicted alternate stop codon (p.R302Sfs*9). This variant is considered to be rare based on population cohorts in the Genome Aggregation Database (gnomAD). This alteration is expected to result in loss of function by premature protein truncation or nonsense-mediated mRNA decay. As such, this alteration is interpreted as a disease-causing mutation.

Labcorp Genetics (formerly Invitae), Labcorp
Classification: Pathogenic for Hereditary nonpolyposis colorectal neoplasms. Last evaluated: 2018-04-29. Review status: criteria provided, single submitter. Criteria: Invitae Variant Classification Sherloc (09022015). Collection method: clinical testing. Allele origin: germline.
Comment: For these reasons, this variant has been classified as Pathogenic. Loss-of-function variants in MSH6 are known to be pathogenic (PMID: 18269114, 24362816). This variant has not been reported in the literature in individuals with MSH6-related disease. This variant is not present in population databases (ExAC no frequency). This sequence change creates a premature translational stop signal (p.Arg302Serfs*9) in the MSH6 gene. It is expected to result in an absent or disrupted protein product.

Literature cited by the submitters: PubMed 18269114 (cited by Labcorp Genetics (formerly Invitae), Labcorp); PubMed 24362816 (cited by Labcorp Genetics (formerly Invitae), Labcorp).

NM_000179.3(MSH6):c.906_907del (p.Arg302fs)

Gene: MSH6 (mutS homolog 6; plus strand). Cytogenetic location: 2p16.3.
Variant type: Deletion.
Coding change: c.906_907del on transcript NM_000179.3 (MANE Select); coding-DNA positions 906 to 907, 2 bases deleted (AA; older notation c.906_907delAA).
Protein change: p.Arg302fs; shifts the reading frame from arginine 302.
Molecular consequence: frameshift variant. On other transcripts: initiator codon variant (2).
Genome position (GRCh38, 1-based): chr2:47,798,889-47,798,890, AA deleted. VCF-style (leftmost placement, unchanged base first): chr2-47798888-GAA-G. GRCh37 (hg19) VCF-style: chr2-48026027-GAA-G.
Other names: c.516_517del, p.Arg172fs (NM_001281492.2); c.-1_1del, p.Met1fs (NM_001281493.2, NM_001281494.2); c.906_907delAA (NM_000179.2); short protein forms M1fs, R172fs, R302fs.
Identifiers: ClinVar variation 569739 (VCV000569739.9), dbSNP rs1558659699, ClinGen allele CA891842826.